The following is an entry in ClinVar:

ClinVar aggregate classification (germline): Likely pathogenic. Review status: criteria provided, multiple submitters, no conflicts (2 of 4 stars). 2 submissions from 2 submitters: Likely pathogenic (2). Last evaluated 2024-05-01.

Conditions:
Stuve-Wiedemann syndrome (STWS). Also called: Stüve-Wiedemann syndrome. Identifiers: Orphanet 3206, MedGen C0796176, MONDO:0031280.

Allele frequency attached by ClinVar (database versions not stated): gnomAD exomes below 0.00001; ExAC 0.00002.
gnomAD v4.1: 4 of 1,560,882 alleles (0.00026%); highest among the groups gnomAD compares: South Asian, 0.0023%; no homozygotes.

Submissions (2):

Natera, Inc.
Classification: Likely pathogenic for Stuve-Wiedemann syndrome. Last evaluated: 2024-05-01. Review status: criteria provided, single submitter. Criteria: Natera Variant Classification Schema (03/2026). Collection method: clinical testing. Allele origin: germline.
Comment: The c.1438-1G>A variant in LIFR is a canonical splice acceptor site variant predicted to affect pre-mRNA splicing, which may result in an abnormal transcript and altered protein product. This variant is expected to result in nonsense mediated decay, truncation, or a dysfunctional protein product. This variant is rare in the general population with a frequency below the threshold expected for the associated phenotype(s). Given the available evidence, this variant is classified as Likely Pathogenic.

Labcorp Genetics (formerly Invitae), Labcorp
Classification: Likely pathogenic. Last evaluated: 2023-12-20. Review status: criteria provided, single submitter. Criteria: Invitae Variant Classification Sherloc (09022015). Collection method: clinical testing. Allele origin: germline.
Comment: This sequence change affects an acceptor splice site in intron 10 of the LIFR gene. It is expected to disrupt RNA splicing. Variants that disrupt the donor or acceptor splice site typically lead to a loss of protein function (PMID: 16199547), and loss-of-function variants in LIFR are known to be pathogenic (PMID: 14740318). This variant is present in population databases (rs746370555, gnomAD 0.002%). This variant has not been reported in the literature in individuals affected with LIFR-related conditions. Algorithms developed to predict the effect of sequence changes on RNA splicing suggest that this variant may disrupt the consensus splice site. In summary, the currently available evidence indicates that the variant is pathogenic, but additional data are needed to prove that conclusively. Therefore, this variant has been classified as Likely Pathogenic.

Literature cited by the submitters: PubMed 16199547 (cited by Labcorp Genetics (formerly Invitae), Labcorp); PubMed 14740318 (cited by Labcorp Genetics (formerly Invitae), Labcorp).

NM_001127671.2(LIFR):c.1438-1G>A

Gene: LIFR (LIF receptor subunit alpha; minus strand). Cytogenetic location: 5p13.1.
Variant type: single nucleotide variant.
Coding change: c.1438-1G>A on transcript NM_001127671.2 (MANE Select); the canonical splice acceptor site of the intron before coding-DNA position 1438, G replaced by A.
Molecular consequence: splice acceptor variant.
Genome position (GRCh38, 1-based): chr5:38,502,800, C>T on the plus strand (G>A on the coding strand, the complement: LIFR is on the minus strand). VCF-style: chr5-38502800-C-T. GRCh37 (hg19) VCF-style: chr5-38502902-C-T.
Other names: c.1438-1G>A (NM_002310.6, NM_001364298.2, NM_001364297.2 and 1 more transcripts).
Identifiers: ClinVar variation 2997757 (VCV002997757.4), dbSNP rs746370555, ClinGen allele CA3242939.